The following is an entry in ClinVar:

NM_002397.5(MEF2C):c.258G>A (p.Glu86=)

Gene: MEF2C (myocyte enhancer factor 2C; minus strand). Cytogenetic location: 5q14.3.
Variant type: single nucleotide variant.
Coding change: c.258G>A on transcript NM_002397.5 (MANE Select); coding-DNA position 258, G replaced by A.
Protein change: p.Glu86=; no amino-acid change (glutamic acid 86 retained).
Molecular consequence: synonymous variant.
Genome position (GRCh38, 1-based): chr5:88,804,598, C>T on the plus strand (G>A on the coding strand, the complement: MEF2C is on the minus strand). VCF-style: chr5-88804598-C-T. GRCh37 (hg19) VCF-style: chr5-88100415-C-T.
Other names: c.258G>A, p.Glu86= (NM_001131005.2, NM_001193347.1, NM_001193348.1 and 29 more transcripts).
Identifiers: ClinVar variation 1805851 (VCV001805851.1), dbSNP rs1554139682, ClinGen allele CA315901.
Genomic context (GRCh38, chr5:88,804,598, plus strand): 5'-GGGGAGGTCCAAACTCCCCTGCTTGCGGAGGCTTGGGGCTCACCACGCATGCTCTCTCAC[C>T]TCCACGATGTCTGAGTTTGTCCGGCTCTCATGCGGCTCGTTGTACTCCGTGTACTTGAGA-3'
Protein context (NP_002388.2, residues 76-96): HESRTNSDIV[Glu86=]TLRKKGLNGC

ClinVar aggregate classification (germline): Likely pathogenic (1 of 4 stars; one submission).

Conditions:
Neurodevelopmental disorder with hypotonia, stereotypic hand movements, and impaired language. Also called: Intellectual disability, autosomal dominant 20. Identifiers: Orphanet 228384, Orphanet 664410, MedGen C3150700, MONDO:0013266, OMIM 613443.

Submission:

Victorian Clinical Genetics Services, Murdoch Childrens Research Institute
Classification: Likely pathogenic for Neurodevelopmental disorder with hypotonia, stereotypic hand movements, and impaired language. Last evaluated: 2020-10-19. Review status: criteria provided, single submitter. Criteria: ACMG Guidelines, 2015. Collection method: clinical testing. Allele origin: germline. Inheritance: Autosomal dominant inheritance. Affected: yes.
Comment: Based on the classification scheme VCGS_Germline_v1.3.3, this variant is classified as likely pathogenic. Following criteria are met: 0102 - Loss of function is a known mechanism of disease in this gene and is associated with MEF2C-related developmental syndrome. (I) 0107 - This gene is associated with autosomal dominant disease. (I) 0212 - Non-canonical splice site variant without proven consequence on splicing (no functional evidence available). (SP) 0219 - This variant is non-coding in an alternative transcript. This variant is deep intronic within several RefSeq transcripts (UCSC), however it is within an exon within the transcript most highly expressed in ClinVar. (I) 0251 - This variant is heterozygous. (I) 0301 - Variant is absent from gnomAD (both v2 and v3). (SP) 0505 - Abnormal splicing is predicted by in silico tools and affected nucleotide is highly conserved. (SP) 0604 - Variant is not located in an established domain, motif, hotspot or informative constraint region. (I) 0802 - This variant has moderate previous evidence of pathogenicity in unrelated individuals. This variant has been reported in several patients (one confirmed de novo) with MEF2C-related haploinsufficiency syndrome (Decipher, LOVD, PMID: 25131622, PMID: 26633542). (SP) 0905 - No published segregation evidence has been identified for this variant. (I) 1007 - No published functional evidence has been identified for this variant. (SP) Legend: (SP) - Supporting pathogenic, (I) - Information, (SB) - Supporting benign

Literature cited by the submitters: PubMed 25131622; PubMed 26633542.